The following is an entry in ClinVar:

NM_000520.6(HEXA):c.310_313dup (p.Asn105delinsMetTer)

Gene: HEXA (hexosaminidase subunit alpha; minus strand). Cytogenetic location: 15q23.
Variant type: Duplication.
Coding change: c.310_313dup on transcript NM_000520.6 (MANE Select); coding-DNA positions 310 to 313, 4 bases duplicated (TGTA; older notation c.310_313dupTGTA).
Protein change: p.Asn105delinsMetTer.
Molecular consequence: nonsense. On other transcripts: non-coding transcript variant (1).
Genome position (GRCh38, 1-based): chr15:72,356,558-72,356,561, TACA duplicated on the plus strand (TGTA on the coding strand, the reverse complement: HEXA is on the minus strand); duplicating any 4 consecutive bases within chr15:72,356,558-72,356,562 gives the same sequence; the c. name uses the placement nearest the transcript's 3' end. VCF-style (leftmost placement, unchanged base first): chr15-72356557-T-TTACA. GRCh37 (hg19) VCF-style: chr15-72648898-T-TTACA.
Other names: c.343_346dup, p.Asn116delinsMetTer (NM_001318825.2).
Identifiers: ClinVar variation 842142 (VCV000842142.1), dbSNP rs2088783222, ClinGen allele CA916083439.

ClinVar aggregate classification (germline): Pathogenic (1 of 4 stars; one submission).

Conditions:
Tay-Sachs disease (TSD). Also called: GM2 gangliosidosis, type 1; Hexosaminidase alpha-subunit deficiency (variant B); Sphingolipidosis, Tay-Sachs; HEXA Disorders; HEXA DEFICIENCY; Hexosaminidase A Deficiency. Identifiers: Orphanet 845, MedGen C0039373, MONDO:0010100, OMIM 272800.

Submission:

Labcorp Genetics (formerly Invitae), Labcorp
Classification: Pathogenic for Tay-Sachs disease. Last evaluated: 2019-05-30. Review status: criteria provided, single submitter. Criteria: Invitae Variant Classification Sherloc (09022015). Collection method: clinical testing. Allele origin: germline.
Comment: This sequence change creates a premature translational stop signal (p.Asn105Metfs*2) in the HEXA gene. It is expected to result in an absent or disrupted protein product. This variant is not present in population databases (ExAC no frequency). This variant has not been reported in the literature in individuals with HEXA-related conditions. Algorithms developed to predict the effect of sequence changes on RNA splicing suggest that this variant may create or strengthen a splice site, but this prediction has not been confirmed by published transcriptional studies. Loss-of-function variants in HEXA are known to be pathogenic (PMID: 1833974, 8490625). For these reasons, this variant has been classified as Pathogenic.